The following is an entry in ClinVar:

NM_025137.4(SPG11):c.2877C>A (p.Cys959Ter)

Gene: SPG11 (SPG11 vesicle trafficking associated, spatacsin; minus strand). Cytogenetic location: 15q21.1.
Variant type: single nucleotide variant.
Coding change: c.2877C>A on transcript NM_025137.4 (MANE Select); coding-DNA position 2877, C replaced by A.
Protein change: p.Cys959Ter; replaces cysteine 959 with a stop codon.
Molecular consequence: nonsense.
Genome position (GRCh38, 1-based): chr15:44,615,524, G>T on the plus strand (C>A on the coding strand, the complement: SPG11 is on the minus strand). VCF-style: chr15-44615524-G-T. GRCh37 (hg19) VCF-style: chr15-44907722-G-T.
Other names: c.2877C>A, p.Cys959Ter (NM_001160227.2); short protein forms C959*.
Identifiers: ClinVar variation 188250 (VCV000188250.10), dbSNP rs786204176, ClinGen allele CA235929.

ClinVar aggregate classification (germline): Pathogenic/Likely pathogenic. Review status: criteria provided, multiple submitters, no conflicts (2 of 4 stars). 3 submissions from 3 submitters: Pathogenic (2); Likely pathogenic (1). Last evaluated 2023-11-28.

Conditions:
Hereditary spastic paraplegia 11. Also called: SPASTIC PARAPLEGIA, AUTOSOMAL RECESSIVE, COMPLICATED, WITH THIN CORPUS CALLOSUM; SPASTIC PARAPLEGIA, AUTOSOMAL RECESSIVE, WITH MENTAL IMPAIRMENT AND THIN CORPUS CALLOSUM; Spastic Paraplegia 11; Nakamura Osame syndrome; Autosomal recessive hereditary spastic paraplegia, mental impairment, and thin corpus callosum; Spastic paraplegia, mental retardation and thin corpus callosum. Identifiers: Orphanet 2822, MedGen C1858479, MONDO:0011445, OMIM 604360.

Allele frequency attached by ClinVar (database versions not stated): gnomAD exomes below 0.00001.
gnomAD v4.1: 1 of 1,614,112 alleles (0.000062%); highest among the groups gnomAD compares: South Asian, 0.0011%; no homozygotes.

Submissions (3):

GeneDx
Classification: Pathogenic. Last evaluated: 2023-11-28. Review status: criteria provided, single submitter. Criteria: GeneDx Variant Classification Process June 2021. Collection method: clinical testing. Allele origin: germline.
Comment: Nonsense variant predicted to result in protein truncation or nonsense mediated decay in a gene for which loss of function is a known mechanism of disease; Not observed at significant frequency in large population cohorts (gnomAD); This variant is associated with the following publications: (PMID: 27124789, 32383541)

Labcorp Genetics (formerly Invitae), Labcorp
Classification: Pathogenic for Hereditary spastic paraplegia 11. Last evaluated: 2023-02-24. Review status: criteria provided, single submitter. Criteria: Invitae Variant Classification Sherloc (09022015). Collection method: clinical testing. Allele origin: germline.
Comment: For these reasons, this variant has been classified as Pathogenic. ClinVar contains an entry for this variant (Variation ID: 188250). This premature translational stop signal has been observed in individual(s) with SPG11-related conditions (PMID: 3283541, 32383541). In at least one individual the data is consistent with being in trans (on the opposite chromosome) from a pathogenic variant. It has also been observed to segregate with disease in related individuals. This variant is not present in population databases (gnomAD no frequency). This sequence change creates a premature translational stop signal (p.Cys959*) in the SPG11 gene. It is expected to result in an absent or disrupted protein product. Loss-of-function variants in SPG11 are known to be pathogenic (PMID: 19105190, 20110243, 22154821, 26556829).

Genomic Medicine Center of Excellence, King Faisal Specialist Hospital and Research Centre
Classification: Likely pathogenic. Review status: criteria provided, single submitter. Criteria: ACMG Guidelines, 2015. Collection method: research. Allele origin: germline. Affected: yes.

Literature cited by the submitters: PubMed 3283541 (cited by Labcorp Genetics (formerly Invitae), Labcorp); PubMed 32383541 (cited by Labcorp Genetics (formerly Invitae), Labcorp); PubMed 19105190 (cited by Labcorp Genetics (formerly Invitae), Labcorp); PubMed 20110243 (cited by Labcorp Genetics (formerly Invitae), Labcorp); PubMed 22154821 (cited by Labcorp Genetics (formerly Invitae), Labcorp); PubMed 26556829 (cited by Labcorp Genetics (formerly Invitae), Labcorp).